The following is an entry in ClinVar:

ClinVar aggregate classification (germline): Uncertain significance (1 of 4 stars; one submission).

Conditions:
Cardiovascular phenotype. Identifiers: MedGen CN230736.

Allele frequency attached by ClinVar (database versions not stated): gnomAD exomes below 0.00001.
gnomAD v4.1: 1 of 1,607,808 alleles (0.000062%); highest among the groups gnomAD compares: East Asian, 0.0022%; no homozygotes.

Submission:

Ambry Genetics
Classification: Uncertain significance for Cardiovascular phenotype. Last evaluated: 2022-05-09. Review status: criteria provided, single submitter. Criteria: Ambry Variant Classification Scheme 2023. Collection method: clinical testing. Allele origin: germline.
Comment: The p.P769H variant (also known as c.2306C>A), located in coding exon 8 of the HCN4 gene, results from a C to A substitution at nucleotide position 2306. The proline at codon 769 is replaced by histidine, an amino acid with similar properties. This amino acid position is conserved. In addition, this alteration is predicted to be tolerated by in silico analysis. Since supporting evidence is limited at this time, the clinical significance of this alteration remains unclear.

NM_005477.3(HCN4):c.2306C>A (p.Pro769His)

Gene: HCN4 (hyperpolarization activated cyclic nucleotide gated potassium channel 4; minus strand). Cytogenetic location: 15q24.1.
Variant type: single nucleotide variant.
Coding change: c.2306C>A on transcript NM_005477.3 (MANE Select); coding-DNA position 2306, C replaced by A.
Protein change: p.Pro769His; replaces proline 769 with histidine.
Molecular consequence: missense variant.
Genome position (GRCh38, 1-based): chr15:73,323,787, G>T on the plus strand (C>A on the coding strand, the complement: HCN4 is on the minus strand). VCF-style: chr15-73323787-G-T. GRCh37 (hg19) VCF-style: chr15-73616128-G-T.
Other names: short protein forms P769H.
Identifiers: ClinVar variation 1789357 (VCV001789357.2), dbSNP rs764093328, ClinGen allele CA7649052.